The following is an entry in ClinVar:

ClinVar aggregate classification (germline): Uncertain significance. Review status: criteria provided, multiple submitters, no conflicts (2 of 4 stars). 2 submissions from 2 submitters: Uncertain significance (2). Last evaluated 2025-06-06.

Conditions:
Familial cancer of breast. Also called: BREAST CANCER, FAMILIAL; hereditary breast carcinoma; Hereditary breast cancer. Identifiers: Orphanet 227535, MedGen C0346153, MONDO:0016419, OMIM 114480. Disease mechanism: loss of function.
Fanconi anemia complementation group J. Also called: BRIP1-Related Fanconi Anemia. Identifiers: Orphanet 84, MedGen C1836860, MONDO:0012187, OMIM 609054.
Hereditary cancer-predisposing syndrome. Also called: Tumor predisposition; Hereditary Cancer Syndrome; Neoplastic Syndromes, Hereditary; Hereditary neoplastic syndrome. Identifiers: Orphanet 140162, MedGen C0027672, MeSH D009386, MONDO:0015356.

Submissions (2):

Ambry Genetics
Classification: Uncertain significance for Hereditary cancer-predisposing syndrome. Last evaluated: 2025-06-06. Review status: criteria provided, single submitter. Criteria: Ambry Variant Classification Scheme 2023. Collection method: clinical testing. Allele origin: germline.
Comment: The p.C88Y variant (also known as c.263G>A), located in coding exon 3 of the BRIP1 gene, results from a G to A substitution at nucleotide position 263. The cysteine at codon 88 is replaced by tyrosine, an amino acid with highly dissimilar properties. This amino acid position is conserved. In addition, the in silico prediction for this alteration is inconclusive. Based on the available evidence, the clinical significance of this variant remains unclear.

Labcorp Genetics (formerly Invitae), Labcorp
Classification: Uncertain significance for Familial cancer of breast; Fanconi anemia complementation group J. Last evaluated: 2023-09-26. Review status: criteria provided, single submitter. Criteria: Invitae Variant Classification Sherloc (09022015). Collection method: clinical testing. Allele origin: germline.
Comment: This sequence change replaces cysteine, which is neutral and slightly polar, with tyrosine, which is neutral and polar, at codon 88 of the BRIP1 protein (p.Cys88Tyr). This variant is not present in population databases (gnomAD no frequency). In summary, the available evidence is currently insufficient to determine the role of this variant in disease. Therefore, it has been classified as a Variant of Uncertain Significance. Advanced modeling of protein sequence and biophysical properties (such as structural, functional, and spatial information, amino acid conservation, physicochemical variation, residue mobility, and thermodynamic stability) performed at Invitae indicates that this missense variant is expected to disrupt BRIP1 protein function. This variant has not been reported in the literature in individuals affected with BRIP1-related conditions.

NM_032043.3(BRIP1):c.263G>A (p.Cys88Tyr)

Gene: BRIP1 (BRCA1 interacting DNA helicase 1; minus strand). Cytogenetic location: 17q23.2.
Variant type: single nucleotide variant.
Coding change: c.263G>A on transcript NM_032043.3 (MANE Select); coding-DNA position 263, G replaced by A.
Protein change: p.Cys88Tyr; replaces cysteine 88 with tyrosine.
Molecular consequence: missense variant.
Genome position (GRCh38, 1-based): chr17:61,857,174, C>T on the plus strand (G>A on the coding strand, the complement: BRIP1 is on the minus strand). VCF-style: chr17-61857174-C-T. GRCh37 (hg19) VCF-style: chr17-59934535-C-T.
Other names: short protein forms C88Y.
Identifiers: ClinVar variation 2952273 (VCV002952273.4), dbSNP rs2078909444, ClinGen allele CA400485505.
Genomic context (GRCh38, chr17:61,857,174, plus strand): 5'-AAATGACGTGAAGTTCCTTGGTTCATGTCATTGTTTGTAAAATCCTTTGAATGGCATGCA[C>T]AACAACATGACAATTGTACTTCAGCTTTTTCACTTACGCCCTCATCTGCTGGTTTCCCTA-3'
Protein context (NP_114432.2, residues 78-98): EKAEVQLSCC[Cys88Tyr]ACHSKDFTNN